The following is an entry in ClinVar:

NM_000540.3(RYR1):c.14551C>G (p.Leu4851Val)

Gene: RYR1 (ryanodine receptor 1; plus strand). Cytogenetic location: 19q13.2.
Variant type: single nucleotide variant.
Coding change: c.14551C>G on transcript NM_000540.3 (MANE Select); coding-DNA position 14551, C replaced by G.
Protein change: p.Leu4851Val; replaces leucine 4851 with valine.
Molecular consequence: missense variant.
Genome position (GRCh38, 1-based): chr19:38,580,409, C>G. VCF-style: chr19-38580409-C-G. GRCh37 (hg19) VCF-style: chr19-39071049-C-G.
Other names: NM_001042723.2:c.14536C>G; c.14536C>G, p.Leu4846Val (NM_001042723.2); short protein forms L4846V, L4851V.
Identifiers: ClinVar variation 4087686 (VCV004087686.1).

ClinVar aggregate classification (germline): Likely pathogenic (3 of 4 stars; one submission).

Conditions:
RYR1-related myopathy. Identifiers: Orphanet 98742, MedGen CN305348, MONDO:0100150.

Submission:

ClinGen Congenital Myopathies Variant Curation Expert Panel, ClinGen
Classification: Likely pathogenic for RYR1-related myopathy. Last evaluated: 2025-09-15. Review status: reviewed by expert panel. Criteria: ClinGen CongenMyopathy ACMG Specifications RYR1 AD V2.0.0. Collection method: curation. Allele origin: germline. Inheritance: Autosomal dominant inheritance.
Comment: The NM_000540.3:c.14551C>G variant in RYR1 is a missense variant predicted to cause substitution of leucine by valine at amino acid 4851 (p. Leu4851Val). This variant is absent from gnomAD v4.1 (PM2_Supporting). The computational predictor REVEL gives a score of 0.828, which is above the threshold of 0.7, evidence that correlates with impact to RYR1 function (PP3). This variant resides within the pore/transmembrane region, amino acids 4800-4950, of RYR1 that is defined as a critical functional domain by the ClinGen Congenital Myopathies VCEP (PM1). The biopsy showed “Dusty central cores” and Type 1 fiber predominance. In summary, this variant meets the criteria to be classified as likely pathogenic for autosomal dominant RYR1-related myopathy based on the ACMG/AMP criteria applied, as specified by the ClinGen Congenital Myopathies VCEP: PS4_Moderate, PM1, PM2_Supporting, PP3. (ClinGen Congenital Myopathies VCEP specifications version 2.0.0; September 15th, 2025).